The following is an entry in ClinVar:

ClinVar aggregate classification (germline): Uncertain significance (1 of 4 stars; one submission).

Conditions:
DOCK11-related disorder. Also called: DOCK11-related condition.

gnomAD v4.1: 13 of 1,206,391 alleles (0.0011%); highest among the groups gnomAD compares: Non-Finnish European, 0.0015%; no homozygotes.

Submission:

PreventionGenetics, part of Exact Sciences
Classification: Uncertain significance for DOCK11-related condition. Last evaluated: 2026-03-21. Review status: criteria provided, single submitter. Criteria: ACMG Guidelines, 2015. Collection method: clinical testing. Allele origin: germline.
Comment: The DOCK11 c.501A>G variant is predicted to result in the amino acid substitution p.Ile167Met. To our knowledge, this variant has not been reported in the literature. This variant is reported in 0.0024% of alleles in individuals of European (Non-Finnish) descent in gnomAD. At this time, the clinical significance of this variant is uncertain due to the absence of conclusive functional and genetic evidence.

NM_144658.4(DOCK11):c.501A>G (p.Ile167Met)

Gene: DOCK11 (dedicator of cytokinesis 11; plus strand). Cytogenetic location: Xq24.
Variant type: single nucleotide variant.
Coding change: c.501A>G on transcript NM_144658.4 (MANE Select); coding-DNA position 501, A replaced by G.
Protein change: p.Ile167Met; replaces isoleucine 167 with methionine.
Molecular consequence: missense variant.
Genome position (GRCh38, 1-based): chrX:118,546,059, A>G. VCF-style: chrX-118546059-A-G. GRCh37 (hg19) VCF-style: chrX-117680022-A-G.
Other names: short protein forms I167M.
Identifiers: ClinVar variation 4987581 (VCV004987581.1).